The following is an entry in ClinVar:

NM_002299.4(LCT):c.4479C>G (p.His1493Gln)

Gene: LCT (lactase; minus strand). Cytogenetic location: 2q21.3.
Variant type: single nucleotide variant.
Coding change: c.4479C>G on transcript NM_002299.4 (MANE Select); coding-DNA position 4479, C replaced by G.
Protein change: p.His1493Gln; replaces histidine 1493 with glutamine.
Molecular consequence: missense variant.
Genome position (GRCh38, 1-based): chr2:135,804,114, G>C on the plus strand (C>G on the coding strand, the complement: LCT is on the minus strand). VCF-style: chr2-135804114-G-C. GRCh37 (hg19) VCF-style: chr2-136561684-G-C.
Other names: short protein forms H1493Q.
Identifiers: ClinVar variation 2004766 (VCV002004766.4), dbSNP rs2077649279, ClinGen allele CA348594322.
Genomic context (GRCh38, chr2:135,804,114, plus strand): 5'-CTGCACGATGGTCTCATTCTCCCAGCCTCCTACATCTTGGAGCGTCTGTGGTAGGTCCCA[G>C]TGGTAAATGGTCACCTGGGAAGAAGCCAGATCAGCTGTTGCATCAGTCATGCTTTCCATG-3'
Protein context (NP_002290.2, residues 1483-1503): ASIQPQVTIY[His1493Gln]WDLPQTLQDV

ClinVar aggregate classification (germline): Uncertain significance (1 of 4 stars; one submission).

Submission:

Labcorp Genetics (formerly Invitae), Labcorp
Classification: Uncertain significance. Last evaluated: 2023-10-13. Review status: criteria provided, single submitter. Criteria: Invitae Variant Classification Sherloc (09022015). Collection method: clinical testing. Allele origin: germline.
Comment: This sequence change replaces histidine, which is basic and polar, with glutamine, which is neutral and polar, at codon 1493 of the LCT protein (p.His1493Gln). This variant is not present in population databases (gnomAD no frequency). This variant has not been reported in the literature in individuals affected with LCT-related conditions. ClinVar contains an entry for this variant (Variation ID: 2004766). Advanced modeling of protein sequence and biophysical properties (such as structural, functional, and spatial information, amino acid conservation, physicochemical variation, residue mobility, and thermodynamic stability) performed at Invitae indicates that this missense variant is not expected to disrupt LCT protein function. In summary, the available evidence is currently insufficient to determine the role of this variant in disease. Therefore, it has been classified as a Variant of Uncertain Significance.